The following is an entry in ClinVar:

NM_024577.4(SH3TC2):c.3611A>G (p.Lys1204Arg)

Gene: SH3TC2 (SH3 domain and tetratricopeptide repeats 2; minus strand). Cytogenetic location: 5q32.
Variant type: single nucleotide variant.
Coding change: c.3611A>G on transcript NM_024577.4 (MANE Select); coding-DNA position 3611, A replaced by G.
Protein change: p.Lys1204Arg; replaces lysine 1204 with arginine.
Molecular consequence: missense variant.
Genome position (GRCh38, 1-based): chr5:149,006,945, T>C on the plus strand (A>G on the coding strand, the complement: SH3TC2 is on the minus strand). VCF-style: chr5-149006945-T-C. GRCh37 (hg19) VCF-style: chr5-148386508-T-C.
Other names: short protein forms K1204R.
Identifiers: ClinVar variation 624068 (VCV000624068.53), dbSNP rs143436632, ClinGen allele CA3498672.

ClinVar aggregate classification (germline): Uncertain significance. Review status: criteria provided, multiple submitters, no conflicts (2 of 4 stars). 6 submissions from 6 submitters: Uncertain significance (6). Last evaluated 2025-06-16.

Conditions:
Charcot-Marie-Tooth disease type 4. Also called: Charcot-Marie-Tooth disease, type IV; Charcot-Marie-Tooth, Type 4. Identifiers: Orphanet 64749, MedGen C4082197, MONDO:0018995.
SH3TC2-related disorder. Also called: SH3TC2-related disorders; SH3TC2-related condition. Identifiers: MedGen CN239303.
Inborn genetic diseases. Identifiers: MedGen C0950123, MeSH D030342.
Charcot-Marie-Tooth disease. Also called: Charcot-Marie-Tooth Neuropathy; Charcot-Marie-Tooth Hereditary Neuropathy. Identifiers: Orphanet 166, MedGen C0007959, MONDO:0015626.

Allele frequency attached by ClinVar (database versions not stated): gnomAD exomes 0.00003; TOPMed 0.00003; gnomAD 0.00004; ExAC 0.00005; ESP Exome Variant Server 0.00015.

Submissions (6):

PreventionGenetics, part of Exact Sciences
Classification: Uncertain significance for SH3TC2-related condition. Last evaluated: 2025-06-16. Review status: criteria provided, single submitter. Criteria: ACMG Guidelines, 2015. Collection method: clinical testing. Allele origin: germline.
Comment: The SH3TC2 c.3611A>G variant is predicted to result in the amino acid substitution p.Lys1204Arg. This variant was reported in an individual with Charcot-Marie-Tooth disease (Table S2, Volodarsky et al. 2021. PubMed ID: 32376792). This variant is reported in 0.0096% of alleles in individuals of Ashkenazi Jewish descent in gnomAD. At this time, the clinical significance of this variant is uncertain due to the absence of conclusive functional and genetic evidence.

Labcorp Genetics (formerly Invitae), Labcorp
Classification: Uncertain significance for Charcot-Marie-Tooth disease type 4. Last evaluated: 2023-10-26. Review status: criteria provided, single submitter. Criteria: Invitae Variant Classification Sherloc (09022015). Collection method: clinical testing. Allele origin: germline.
Comment: This sequence change replaces lysine, which is basic and polar, with arginine, which is basic and polar, at codon 1204 of the SH3TC2 protein (p.Lys1204Arg). This variant is present in population databases (rs143436632, gnomAD 0.01%). This missense change has been observed in individual(s) with clinical features of Charcot-Marie-Tooth disease (PMID: 32376792). ClinVar contains an entry for this variant (Variation ID: 624068). Advanced modeling of protein sequence and biophysical properties (such as structural, functional, and spatial information, amino acid conservation, physicochemical variation, residue mobility, and thermodynamic stability) performed at Invitae indicates that this missense variant is not expected to disrupt SH3TC2 protein function with a negative predictive value of 95%. In summary, the available evidence is currently insufficient to determine the role of this variant in disease. Therefore, it has been classified as a Variant of Uncertain Significance.

Ambry Genetics
Classification: Uncertain significance for Inborn genetic diseases. Last evaluated: 2021-08-16. Review status: criteria provided, single submitter. Criteria: Ambry Variant Classification Scheme 2023. Collection method: clinical testing. Allele origin: germline.

Athena Diagnostics
Classification: Uncertain significance. Last evaluated: 2020-02-18. Review status: criteria provided, single submitter. Criteria: Athena Diagnostics Criteria. Collection method: clinical testing. Allele origin: unknown.

CeGaT Center for Human Genetics Tuebingen
Classification: Uncertain significance. Last evaluated: 2018-04-01. Review status: criteria provided, single submitter. Criteria: CeGaT Center For Human Genetics Tuebingen Variant Classification Criteria Version 2. Collection method: clinical testing. Allele origin: germline. Affected: yes. Observed: 1 variant allele.

Molecular Genetics Laboratory, London Health Sciences Centre
Classification: Uncertain significance for Charcot-Marie-Tooth disease. Review status: criteria provided, single submitter. Criteria: ACMG Guidelines, 2015. Collection method: clinical testing. Allele origin: germline. Affected: yes.

Literature cited by the submitters: PubMed 32376792 (cited by Labcorp Genetics (formerly Invitae), Labcorp).